The following is an entry in ClinVar:

ClinVar aggregate classification (germline): Uncertain significance (1 of 4 stars; one submission).

Allele frequency attached by ClinVar (database versions not stated): TOPMed below 0.00001; gnomAD 0.00001.

Submission:

Labcorp Genetics (formerly Invitae), Labcorp
Classification: Uncertain significance. Last evaluated: 2024-06-05. Review status: criteria provided, single submitter. Criteria: Invitae Variant Classification Sherloc (09022015). Collection method: clinical testing. Allele origin: germline.
Comment: This sequence change replaces serine, which is neutral and polar, with leucine, which is neutral and non-polar, at codon 266 of the DNAJC17 protein (p.Ser266Leu). This variant is present in population databases (no rsID available, gnomAD 0.004%). This variant has not been reported in the literature in individuals affected with DNAJC17-related conditions. ClinVar contains an entry for this variant (Variation ID: 2095409). An algorithm developed to predict the effect of missense changes on protein structure and function (PolyPhen-2) suggests that this variant is likely to be tolerated. In summary, the available evidence is currently insufficient to determine the role of this variant in disease. Therefore, it has been classified as a Variant of Uncertain Significance.

NM_018163.3(DNAJC17):c.797C>T (p.Ser266Leu)

Gene: DNAJC17 (DnaJ heat shock protein family (Hsp40) member C17; minus strand). Cytogenetic location: 15q15.1.
Variant type: single nucleotide variant.
Coding change: c.797C>T on transcript NM_018163.3 (MANE Select); coding-DNA position 797, C replaced by T.
Protein change: p.Ser266Leu; replaces serine 266 with leucine.
Molecular consequence: missense variant.
Genome position (GRCh38, 1-based): chr15:40,768,058, G>A on the plus strand (C>T on the coding strand, the complement: DNAJC17 is on the minus strand). VCF-style: chr15-40768058-G-A. GRCh37 (hg19) VCF-style: chr15-41060256-G-A.
Other names: short protein forms S266L.
Identifiers: ClinVar variation 2095409 (VCV002095409.4), dbSNP rs1295683949, ClinGen allele CA391756935.